The following is an entry in ClinVar:

NM_000059.3(BRCA2):c.156_157insAlu

Gene: BRCA2 (BRCA2 DNA repair associated; plus strand). Cytogenetic location: 13q13.1.
Variant type: Insertion.
Coding change: c.156_157insAlu on transcript NM_000059.3; coding-DNA positions 156 to 157, an insertion.
Other names: 384insAlu; NM_000059.3:c.156_157insAlu.
Identifiers: ClinVar variation 126018 (VCV000126018.39).

ClinVar aggregate classification (germline): Pathogenic. Review status: reviewed by expert panel (3 of 4 stars). 8 submissions from 8 submitters: Pathogenic (1). 7 of the submissions do not count toward it. Last evaluated 2018-04-01.

Conditions:
Hereditary breast ovarian cancer syndrome. Also called: Hereditary breast and ovarian cancer; Hereditary breast and/or ovarian cancer syndrome; BRCA1- and BRCA2-Associated Hereditary Breast and Ovarian Cancer; Hereditary breast and ovarian cancer syndrome; Hereditary breast and ovarian cancer syndrome (HBOC); Breast and ovarian cancer. Identifiers: Orphanet 145, MedGen C0677776, MeSH D061325, MONDO:0003582. Disease mechanism: loss of function.
Breast-ovarian cancer, familial, susceptibility to, 2 (BROVCA2). Also called: BRCA2 Hereditary Breast and Ovarian Cancer. Identifiers: Orphanet 145, MedGen C2675520, MONDO:0012933, OMIM 612555. Disease mechanism: loss of function.

Submissions (8):

Evidence-based Network for the Interpretation of Germline Mutant Alleles (ENIGMA)
Classification: Pathogenic for Breast-ovarian cancer, familial, susceptibility to, 2. Last evaluated: 2018-04-01. Review status: reviewed by expert panel. Criteria: ENIGMA BRCA1/2 Classification Criteria (2017-06-29). Collection method: curation. Allele origin: germline.
Comment: Class 5 Pathogenic based on posterior probability = 1 (PMID: 29707112) from multifactorial likelihood analysis, thresholds for IARC Class as per Plon et al. 2008 (PMID: 18951446). This multifactorial calculation includes co-segregation analysis of 13 families with an LR >6.4E+12:1 in favour of pathogenicity. Complete skipping of exon 3 (r.68_316del) in minigene splicing assay (PMID: 29707112).

Genetics Program, Instituto Nacional de Cancer
Classification: Pathogenic for Hereditary breast ovarian cancer syndrome. Last evaluated: 2021-11-01. Review status: criteria provided, single submitter. Criteria: ACMG Guidelines, 2015. Collection method: research. Allele origin: germline. Affected: yes. Not counted in ClinVar's aggregate classification.

Women's Health and Genetics/Laboratory Corporation of America, LabCorp
Classification: Pathogenic for Hereditary breast and ovarian cancer syndrome. Last evaluated: 2020-10-15. Review status: criteria provided, single submitter. Criteria: LabCorp Variant Classification Summary - May 2015. Collection method: clinical testing. Allele origin: germline. Not counted in ClinVar's aggregate classification.
Comment: Variant summary: c.156_157ins? denotes the insertion of an undefined sequence of nucleotides in exon 3 of the BRCA2 gene. Insertion of nucleotides at this position is often described in the literature as c.156_157insAlu, indicating the insertion of an Alu element. The variant (determined to be a founder mutation of Portuguese origin) has been reported in the literature in multiple individuals and families affected with Hereditary Breast And Ovarian Cancer Syndrome (e.g. Teugels_2005, Machado_2007, Davy_2017, Rebbeck_2018) but was absent in 21694 control chromosomes (gnomAD). These data indicate that the variant is very likely to be associated with disease. Multiple studies report experimental evidence demonstrating the variant results in the in-frame skipping of exon 3 (e.g. Teugels_2005, Machado_2007, Davy_2017). Two ClinVar submitters including an expert panel (ENIGMA) (evaluation after 2014) cite the variant as pathogenic. Based on the evidence outlined above, the variant was classified as pathogenic.

Labcorp Genetics (formerly Invitae), Labcorp
Classification: Pathogenic for Hereditary breast ovarian cancer syndrome. Last evaluated: 2015-01-16. Review status: criteria provided, single submitter. Criteria: Invitae Variant Classification Sherloc (09022015). Collection method: clinical testing. Allele origin: germline. Not counted in ClinVar's aggregate classification.
Comment: This sequence change is an Alu element of subtype Ya5-mediated insertion in exon 3 of the BRCA2 mRNA (c.156_157insAluYa5). The exact size of this insertion is unknown. An AluYa5 transposition has been reported in the literature at this sequence position. It is not present in population databases. An AluYa5 insertion at this position has been clearly defined as a breast cancer causative allele. This insertion is a known founder mutation in the Portuguese population (PMID: 20652400, 18363094, 17513806). Experimental studies have shown that this insertion causes alternative splicing of BRCA2, leading to complete skipping of exon 3 (PMID: 18363094). Skipping of exon 3 leads to an in-frame deletion of amino acid residues 23-105 in the BRCA2 protein. This region contains two transcription-activating regions, and is required for BRCA2 phosphorylation (PMID: 10980621). Low-level exon 3 skipping is known to take place in normal cells, and about 5% leaky altered splicing has been reported in wild-type samples (PMID: 20215541, 21939546). However, deletion of exon 3 is pathogenic, and contributes to hereditary breast and ovarian cancer (PMID: 21939546). Although the exact size of this insertion is unknown, an AluYa5-mediated insertion at this position has been reported as a causative mutation. Therefore, this sequence change has been classified as Pathogenic.

Eurofins Ntd Llc (ga)
Classification: Pathogenic. Last evaluated: 2014-10-09. Review status: criteria provided, single submitter. Criteria: EGL Classification Definitions 2015. Collection method: clinical testing. Allele origin: germline. Not counted in ClinVar's aggregate classification.

Molecular Oncology, Hospital Universitario Central de Asturias (HUCA)
Classification: Pathogenic for Breast-ovarian cancer, familial, susceptibility to, 2. Last evaluated: 2021-05-24. Review status: no assertion criteria provided. Collection method: case-control. Allele origin: germline. Affected: yes. Not counted in ClinVar's aggregate classification.

Breast Cancer Information Core (BIC) (BRCA2)
Classification: Pathogenic for Breast-ovarian cancer, familial 2. Review status: no assertion criteria provided. Collection method: clinical testing. Allele origin: germline. Affected: yes. Observed: 1 variant allele. Not counted in ClinVar's aggregate classification.

Laboratoire de Biologie et Génétique du Cancer, Centre François Baclesse
Classification: Pathogenic for Breast-ovarian cancer, familial, susceptibility to, 2. Review status: no assertion criteria provided. Collection method: clinical testing. Allele origin: germline. Inheritance: Autosomal dominant inheritance. Affected: yes. Not counted in ClinVar's aggregate classification.

Literature cited by the submitters: PubMed 29707112 (cited by Evidence-based Network for the Interpretation of Germline Mutant Alleles (ENIGMA)); PubMed 36329109 (cited by Genetics Program, Instituto Nacional de Cancer); PubMed 17513806 (cited by Women's Health and Genetics/Laboratory Corporation of America, LabCorp and Laboratoire de Biologie et Génétique du Cancer, Centre François Baclesse); PubMed 29446198 (cited by Women's Health and Genetics/Laboratory Corporation of America, LabCorp); PubMed 28905878 (cited by Women's Health and Genetics/Laboratory Corporation of America, LabCorp); PubMed 16088935 (cited by Women's Health and Genetics/Laboratory Corporation of America, LabCorp); PubMed 38922859 (cited by Molecular Oncology, Hospital Universitario Central de Asturias (HUCA)).